The following is an entry in ClinVar:

NM_001110556.2(FLNA):c.5054C>G (p.Thr1685Arg)

Gene: FLNA (filamin A; minus strand). Cytogenetic location: Xq28.
Variant type: single nucleotide variant.
Coding change: c.5054C>G on transcript NM_001110556.2 (MANE Select); coding-DNA position 5054, C replaced by G.
Protein change: p.Thr1685Arg; replaces threonine 1685 with arginine.
Molecular consequence: missense variant.
Genome position (GRCh38, 1-based): chrX:154,354,988, G>C on the plus strand (C>G on the coding strand, the complement: FLNA is on the minus strand). VCF-style: chrX-154354988-G-C. GRCh37 (hg19) VCF-style: chrX-153583356-G-C.
Other names: c.5030C>G, p.Thr1677Arg (NM_001456.4); short protein forms T1677R, T1685R.
Identifiers: ClinVar variation 946890 (VCV000946890.10), dbSNP rs781783107, ClinGen allele CA415208180.

ClinVar aggregate classification (germline): Uncertain significance (1 of 4 stars; one submission).

Conditions:
Frontometaphyseal dysplasia (FMD1). Identifiers: Orphanet 1826, MedGen C0265293, MONDO:0015942.
Heterotopia, periventricular, X-linked dominant (PVNH1). Also called: PERIVENTRICULAR NODULAR HETEROTOPIA 1; X-linked periventricular heterotopia; PERIVENTRICULAR NODULAR HETEROTOPIA 4; HETEROTOPIA, PERIVENTRICULAR, 1. Identifiers: Orphanet 2149, Orphanet 82004, MedGen C1848213, MONDO:0010233, OMIM 300049.
Melnick-Needles syndrome (MNS). Also called: MELNICK-NEEDLES OSTEODYSPLASTY; OSTEODYSPLASTY OF MELNICK AND NEEDLES; Melnick-Needles Syndrome (FLNA-MNS). Identifiers: Orphanet 2484, MedGen C0025237, MONDO:0010650, OMIM 309350.
Oto-palato-digital syndrome, type II (OPD2). Also called: OPD II SYNDROME; FACIOPALATOOSSEOUS SYNDROME; Otopalatodigital Syndrome Type 2 (FLNA-OPD2); Otopalatodigital Syndrome, Type II. Identifiers: Orphanet 669, Orphanet 90652, MedGen C1844696, MONDO:0010571, OMIM 304120.

Submission:

Labcorp Genetics (formerly Invitae), Labcorp
Classification: Uncertain significance for Oto-palato-digital syndrome, type II; Heterotopia, periventricular, X-linked dominant; Frontometaphyseal dysplasia; Melnick-Needles syndrome. Last evaluated: 2024-02-24. Review status: criteria provided, single submitter. Criteria: Invitae Variant Classification Sherloc (09022015). Collection method: clinical testing. Allele origin: germline.
Comment: This sequence change replaces threonine, which is neutral and polar, with arginine, which is basic and polar, at codon 1677 of the FLNA protein (p.Thr1677Arg). This variant is not present in population databases (gnomAD no frequency). This variant has not been reported in the literature in individuals affected with FLNA-related conditions. ClinVar contains an entry for this variant (Variation ID: 946890). Advanced modeling of protein sequence and biophysical properties (such as structural, functional, and spatial information, amino acid conservation, physicochemical variation, residue mobility, and thermodynamic stability) performed at Invitae indicates that this missense variant is not expected to disrupt FLNA protein function with a negative predictive value of 95%. In summary, the available evidence is currently insufficient to determine the role of this variant in disease. Therefore, it has been classified as a Variant of Uncertain Significance.